The following is an entry in ClinVar:

ClinVar aggregate classification (germline): Conflicting classifications of pathogenicity. Review status: criteria provided, conflicting classifications (1 of 4 stars). 9 submissions from 9 submitters: Uncertain significance (7); Likely benign (1). 1 of the submissions does not count toward it. Last evaluated 2025-12-30.

Conditions:
MYH9-related disorder. Identifiers: MedGen C1854520.
Inborn genetic diseases. Identifiers: MedGen C0950123, MeSH D030342.
Autosomal dominant nonsyndromic hearing loss 17. Also called: Autosomal dominant nonsyndromic deafness 17; Deafness, autosomal dominant 17. Identifiers: Orphanet 90635, MedGen C1863659, MONDO:0011350, OMIM 603622.
Macrothrombocytopenia and granulocyte inclusions with or without nephritis or sensorineural hearing loss (MATINS). Also called: MAY-HEGGLIN ANOMALY; SEBASTIAN PLATELET SYNDROME; MACROTHROMBOCYTOPENIA WITH DISPERSED LEUKOCYTIC INCLUSIONS; MACROTHROMBOCYTOPENIA, NEPHRITIS, AND DEAFNESS; MACROTHROMBOCYTOPENIA, NEPHRITIS, DEAFNESS, AND LEUKOCYTE INCLUSIONS; ALPORT SYNDROME WITH MACROTHROMBOCYTOPENIA. Identifiers: Orphanet 182050, MedGen C5200934, MONDO:0015912, OMIM 155100.

Allele frequency attached by ClinVar (database versions not stated): gnomAD exomes 0.00001 and 0.00003; ExAC 0.00002; ESP Exome Variant Server 0.00008; gnomAD 0.00015 and 0.00016; TOPMed 0.00018.
gnomAD v4.1: 43 of 1,614,002 alleles (0.0027%); highest among the groups gnomAD compares: African/African-American, 0.04%; 1 homozygote.

Submissions (9):

Women's Health and Genetics/Laboratory Corporation of America, LabCorp
Classification: Uncertain significance. Last evaluated: 2025-12-30. Review status: criteria provided, single submitter. Criteria: LabCorp Variant Classification Summary - May 2015. Collection method: clinical testing. Allele origin: germline.
Comment: Variant summary: MYH9 c.4556G>A (p.Ser1519Asn) results in a conservative amino acid change in the encoded protein sequence. Algorithms developed to predict the effect of missense changes on protein structure and function are either unavailable or do not agree on the potential impact of this missense change. Consensus agreement among computation tools predict no significant impact on normal splicing. However, these predictions have yet to be confirmed by functional studies. The variant allele was found at a frequency of 2.8e-05 in 251310 control chromosomes. The available data on variant occurrences in the general population are insufficient to allow any conclusion about variant significance. To our knowledge, no occurrence of c.4556G>A in individuals affected with MYH9-related conditions and no experimental evidence demonstrating its impact on protein function have been reported. ClinVar contains an entry for this variant (Variation ID: 164431). Based on the evidence outlined above, the variant was classified as uncertain significance.

Labcorp Genetics (formerly Invitae), Labcorp
Classification: Uncertain significance. Last evaluated: 2025-10-03. Review status: criteria provided, single submitter. Criteria: Invitae Variant Classification Sherloc (09022015). Collection method: clinical testing. Allele origin: germline.
Comment: This sequence change replaces serine, which is neutral and polar, with asparagine, which is neutral and polar, at codon 1519 of the MYH9 protein (p.Ser1519Asn). This variant is present in population databases (rs138193963, gnomAD 0.06%), and has an allele count higher than expected for a pathogenic variant. This variant has not been reported in the literature in individuals affected with MYH9-related conditions. ClinVar contains an entry for this variant (Variation ID: 164431). An algorithm developed to predict the effect of missense changes on protein structure and function (PolyPhen-2) suggests that this variant is likely to be tolerated. In summary, the available evidence is currently insufficient to determine the role of this variant in disease. Therefore, it has been classified as a Variant of Uncertain Significance.

GeneDx
Classification: Uncertain significance. Last evaluated: 2025-07-14. Review status: criteria provided, single submitter. Criteria: GeneDx Variant Classification Process June 2021. Collection method: clinical testing. Allele origin: germline. Affected: yes.
Comment: In silico analysis suggests that this missense variant does not alter protein structure/function; Has not been previously published as pathogenic or benign to our knowledge

ARUP Laboratories, Molecular Genetics and Genomics, ARUP Laboratories
Classification: Uncertain significance. Last evaluated: 2025-07-03. Review status: criteria provided, single submitter. Criteria: ARUP Molecular Germline Variant Investigation Process 2024. Collection method: clinical testing. Allele origin: germline.
Comment: The MYH9 c.4556G>A; p.Ser1519Asn variant (rs138193963), to our knowledge, is not reported in the medical literature but is reported in ClinVar (Variation ID: 164431). This variant is found in the African/African-American population with an allele frequency of 0.05% (14/24960 alleles) in the Genome Aggregation Database (v2.1.1). Computational analyses are uncertain whether this variant is neutral or deleterious (REVEL: 0.352). Due to limited information, the clinical significance of this variant is uncertain at this time. References: Savoia A and Pecci A. MYH9-Related Disease. GeneReviews. 2021. PMID: 20301740

Ambry Genetics
Classification: Likely benign for Inborn genetic diseases. Last evaluated: 2024-10-03. Review status: criteria provided, single submitter. Criteria: Ambry Variant Classification Scheme 2023. Collection method: clinical testing. Allele origin: germline.

Fulgent Genetics
Classification: Uncertain significance for Macrothrombocytopenia and granulocyte inclusions with or without nephritis or sensorineural hearing loss; Autosomal dominant nonsyndromic hearing loss 17. Last evaluated: 2024-04-23. Review status: criteria provided, single submitter. Criteria: ACMG Guidelines, 2015. Collection method: clinical testing. Allele origin: germline.

Laboratory for Molecular Medicine, Mass General Brigham Personalized Medicine
Classification: Uncertain significance. Last evaluated: 2019-02-12. Review status: criteria provided, single submitter. Criteria: LMM Criteria. Collection method: clinical testing. Allele origin: germline. Observed: 3 variant alleles.
Comment: Variant classified as Uncertain Significance - Favor Benign. The p.Ser1519Asn variant in MYH9 has been previously identified by our laboratory in two siblings with a suspected dominant family history of hearing loss, but has also been identified in 0.05% (14/24960) of African chromosomes by gnomAD. Computational prediction tools and conservation analysis suggest that this variant may not impact the protein, though this information is not predictive enough to rule out pathogenicity. In summary, while these data suggest that the p.Ser1519Asn variant is more likely to be benign, its clinical significance remains uncertain due to the presence of conflicting data. ACMG/AMP Criteria applied: BS1, BP4.

Eurofins Ntd Llc (ga)
Classification: Uncertain significance. Last evaluated: 2017-05-04. Review status: criteria provided, single submitter. Criteria: EGL Classification Definitions 2015. Collection method: clinical testing. Allele origin: germline. Observed: 1 variant allele, 1 heterozygote.

PreventionGenetics, part of Exact Sciences
Classification: Likely benign for MYH9-related condition. Last evaluated: 2023-06-13. Review status: no assertion criteria provided. Collection method: clinical testing. Allele origin: germline. Not counted in ClinVar's aggregate classification.
Comment: This variant is classified as likely benign based on ACMG/AMP sequence variant interpretation guidelines (Richards et al. 2015 PMID: 25741868, with internal and published modifications).

NM_002473.6(MYH9):c.4556G>A (p.Ser1519Asn)

Gene: MYH9 (myosin heavy chain 9; minus strand). Cytogenetic location: 22q12.3.
Variant type: single nucleotide variant.
Coding change: c.4556G>A on transcript NM_002473.6 (MANE Select); coding-DNA position 4556, G replaced by A.
Protein change: p.Ser1519Asn; replaces serine 1519 with asparagine.
Molecular consequence: missense variant.
Genome position (GRCh38, 1-based): chr22:36,289,086, C>T on the plus strand (G>A on the coding strand, the complement: MYH9 is on the minus strand). VCF-style: chr22-36289086-C-T. GRCh37 (hg19) VCF-style: chr22-36685132-C-T.
Other names: c.4556G>A (NM_002473.5); short protein forms S1519N.
Identifiers: ClinVar variation 164431 (VCV000164431.29), dbSNP rs138193963, ClinGen allele CA177078.
Genomic context (GRCh38, chr22:36,289,086, plus strand): 5'-CTCTGTGATGACCCCACTCGGGCCCTTCCCAAGACCTGGCTGCCAGGCCCAGGACTCACA[C>T]TCTTGCCCACATCATCCTTGGAGCTCATAAGGTCCTCCATCTCCGTGCGGAACTGCTTGT-3'
Protein context (NP_002464.1, residues 1509-1529): LMSSKDDVGK[Ser1519Asn]VHELEKSKRA